The following is an entry in ClinVar:

ClinVar aggregate classification (germline): Uncertain significance (1 of 4 stars; one submission).

gnomAD v4.1: 3 of 1,611,498 alleles (0.00019%); highest among the groups gnomAD compares: East Asian, 0.0022%; no homozygotes.

Submission:

Labcorp Genetics (formerly Invitae), Labcorp
Classification: Uncertain significance. Last evaluated: 2024-02-29. Review status: criteria provided, single submitter. Criteria: Invitae Variant Classification Sherloc (09022015). Collection method: clinical testing. Allele origin: germline.
Comment: This sequence change replaces proline, which is neutral and non-polar, with serine, which is neutral and polar, at codon 372 of the GATA5 protein (p.Pro372Ser). This variant is not present in population databases (gnomAD no frequency). This variant has not been reported in the literature in individuals affected with GATA5-related conditions. Algorithms developed to predict the effect of missense changes on protein structure and function output the following: SIFT: "Not Available"; PolyPhen-2: "Benign"; Align-GVGD: "Not Available". The serine amino acid residue is found in multiple mammalian species, which suggests that this missense change does not adversely affect protein function. In summary, the available evidence is currently insufficient to determine the role of this variant in disease. Therefore, it has been classified as a Variant of Uncertain Significance.

NM_080473.5(GATA5):c.1114C>T (p.Pro372Ser)

Gene: GATA5 (GATA binding protein 5; minus strand). Cytogenetic location: 20q13.33.
Variant type: single nucleotide variant.
Coding change: c.1114C>T on transcript NM_080473.5 (MANE Select); coding-DNA position 1114, C replaced by T.
Protein change: p.Pro372Ser; replaces proline 372 with serine.
Molecular consequence: missense variant.
Genome position (GRCh38, 1-based): chr20:62,464,916, G>A on the plus strand (C>T on the coding strand, the complement: GATA5 is on the minus strand). VCF-style: chr20-62464916-G-A. GRCh37 (hg19) VCF-style: chr20-61039972-G-A.
Other names: short protein forms P372S.
Identifiers: ClinVar variation 3694114 (VCV003694114.2).